The following is an entry in ClinVar:

ClinVar aggregate classification (germline): Uncertain significance (1 of 4 stars; one submission).

Submission:

Labcorp Genetics (formerly Invitae), Labcorp
Classification: Uncertain significance. Last evaluated: 2025-08-31. Review status: criteria provided, single submitter. Criteria: Invitae Variant Classification Sherloc (09022015). Collection method: clinical testing. Allele origin: germline.
Comment: This sequence change replaces alanine, which is neutral and non-polar, with glycine, which is neutral and non-polar, at codon 1775 of the POLE protein (p.Ala1775Gly). This variant is not present in population databases (gnomAD no frequency). This variant has not been reported in the literature in individuals affected with POLE-related conditions. Invitae Evidence Modeling of protein sequence and biophysical properties (such as structural, functional, and spatial information, amino acid conservation, physicochemical variation, residue mobility, and thermodynamic stability) indicates that this missense variant is not expected to disrupt POLE protein function with a negative predictive value of 80%. In summary, the available evidence is currently insufficient to determine the role of this variant in disease. Therefore, it has been classified as a Variant of Uncertain Significance.

NM_006231.4(POLE):c.5324C>G (p.Ala1775Gly)

Gene: POLE (DNA polymerase epsilon, catalytic subunit; minus strand). Cytogenetic location: 12q24.33.
Variant type: single nucleotide variant.
Coding change: c.5324C>G on transcript NM_006231.4 (MANE Select); coding-DNA position 5324, C replaced by G.
Protein change: p.Ala1775Gly; replaces alanine 1775 with glycine.
Molecular consequence: missense variant.
Genome position (GRCh38, 1-based): chr12:132,641,701, G>C on the plus strand (C>G on the coding strand, the complement: POLE is on the minus strand). VCF-style: chr12-132641701-G-C. GRCh37 (hg19) VCF-style: chr12-133218287-G-C.
Other names: short protein forms A1775G.
Identifiers: ClinVar variation 4806244 (VCV004806244.1).